The following is an entry in ClinVar:

NM_177972.3(TUB):c.456G>A (p.Gln152=)

Genes: RIC3 (RIC3 acetylcholine receptor chaperone; minus strand), TUB (TUB bipartite transcription factor; plus strand). Cytogenetic location: 11p15.4.
Variant type: single nucleotide variant.
Coding change: c.456G>A on transcript NM_177972.3 (MANE Select); coding-DNA position 456, G replaced by A.
Protein change: p.Gln152=; no amino-acid change (glutamine 152 retained).
Molecular consequence: synonymous variant.
Genome position (GRCh38, 1-based): chr11:8,095,556, G>A. VCF-style: chr11-8095556-G-A. GRCh37 (hg19) VCF-style: chr11-8117103-G-A.
Other names: c.621G>A, p.Gln207= (NM_003320.5); c.621G>A (NM_003320.4).
Identifiers: ClinVar variation 1656217 (VCV001656217.9), dbSNP rs752589549, ClinGen allele CA5871103.

ClinVar aggregate classification (germline): Likely benign. Review status: criteria provided, multiple submitters, no conflicts (2 of 4 stars). 2 submissions from 2 submitters: Likely benign (2). Last evaluated 2025-01-29.

Conditions:
TUB-related disorder. Also called: TUB-related condition.

Allele frequency attached by ClinVar (database versions not stated): gnomAD 0.00001; gnomAD exomes 0.00001; ExAC 0.00002.
gnomAD v4.1: 4 of 1,613,176 alleles (0.00025%); highest among the groups gnomAD compares: Admixed American, 0.005%; no homozygotes.

Submissions (2):

PreventionGenetics, part of Exact Sciences
Classification: Likely benign for TUB-related condition. Last evaluated: 2025-01-29. Review status: criteria provided, single submitter. Criteria: ACMG Guidelines, 2015. Collection method: clinical testing. Allele origin: germline.
Comment: This variant is classified as likely benign based on ACMG/AMP sequence variant interpretation guidelines (Richards et al. 2015 PMID: 25741868, with internal and published modifications).

Labcorp Genetics (formerly Invitae), Labcorp
Classification: Likely benign. Last evaluated: 2024-03-05. Review status: criteria provided, single submitter. Criteria: Invitae Variant Classification Sherloc (09022015). Collection method: clinical testing. Allele origin: germline.